The following is an entry in ClinVar:

ClinVar aggregate classification (germline): Uncertain significance (1 of 4 stars; one submission).

Submission:

GeneDx
Classification: Uncertain significance. Last evaluated: 2022-08-27. Review status: criteria provided, single submitter. Criteria: GeneDx Variant Classification Process June 2021. Collection method: clinical testing. Allele origin: germline. Affected: yes.
Comment: Not observed at significant frequency in large population cohorts (gnomAD); In silico analysis supports that this missense variant has a deleterious effect on protein structure/function; Has not been previously published as pathogenic or benign to our knowledge

NM_021956.5(GRIK2):c.696T>G (p.His232Gln)

Gene: GRIK2 (glutamate ionotropic receptor kainate type subunit 2; plus strand). Cytogenetic location: 6q16.3.
Variant type: single nucleotide variant.
Coding change: c.696T>G on transcript NM_021956.5 (MANE Select); coding-DNA position 696, T replaced by G.
Protein change: p.His232Gln; replaces histidine 232 with glutamine.
Molecular consequence: missense variant.
Genome position (GRCh38, 1-based): chr6:101,676,777, T>G. VCF-style: chr6-101676777-T-G. GRCh37 (hg19) VCF-style: chr6-102124652-T-G.
Other names: c.696T>G, p.His232Gln (NM_001166247.1, NM_175768.3); short protein forms H232Q.
Identifiers: ClinVar variation 2430942 (VCV002430942.1), dbSNP rs2483335986, ClinGen allele CA365305915.
Genomic context (GRCh38, chr6:101,676,777, plus strand): 5'-ACCCTTACTAAAAGAAATGAAAAGAGGCAAGGAGTTTCATGTAATCTTTGATTGTAGCCA[T>G]GAAATGGCAGCAGGCATTTTAAAACAGGTAACCTTTAAATTACTTCAATTCTTGTTTTCT-3'
Protein context (NP_068775.1, residues 222-242): KEFHVIFDCS[His232Gln]EMAAGILKQA